The following is an entry in ClinVar:

NM_130468.4(CHST14):c.729G>T (p.Arg243Ser)

Gene: CHST14 (carbohydrate sulfotransferase 14; plus strand). Cytogenetic location: 15q15.1.
Variant type: single nucleotide variant.
Coding change: c.729G>T on transcript NM_130468.4 (MANE Select); coding-DNA position 729, G replaced by T.
Protein change: p.Arg243Ser; replaces arginine 243 with serine.
Molecular consequence: missense variant.
Genome position (GRCh38, 1-based): chr15:40,471,942, G>T. VCF-style: chr15-40471942-G-T. GRCh37 (hg19) VCF-style: chr15-40764141-G-T.
Other names: short protein forms R243S.
Identifiers: ClinVar variation 861736 (VCV000861736.10), dbSNP rs1894355892, ClinGen allele CA391766810.

ClinVar aggregate classification (germline): Uncertain significance (1 of 4 stars; one submission).

Conditions:
Ehlers-Danlos syndrome, musculocontractural type (EDSMC). Also called: Adducted thumb, clubfoot, progressive joint and skin laxity syndrome; DUNDAR SYNDROME; ADDUCTED THUMB-CLUBFOOT SYNDROME; ARTHROGRYPOSIS, DISTAL, WITH PECULIAR FACIES AND HYDRONEPHROSIS. Identifiers: Orphanet 2953, MedGen C1866294, MONDO:0011142.

Submission:

Labcorp Genetics (formerly Invitae), Labcorp
Classification: Uncertain significance for Ehlers-Danlos syndrome, musculocontractural type. Last evaluated: 2019-12-29. Review status: criteria provided, single submitter. Criteria: Invitae Variant Classification Sherloc (09022015). Collection method: clinical testing. Allele origin: germline.
Comment: This sequence change replaces arginine with serine at codon 243 of the CHST14 protein (p.Arg243Ser). The arginine residue is highly conserved and there is a moderate physicochemical difference between arginine and serine. This variant is not present in population databases (ExAC no frequency). This variant has not been reported in the literature in individuals with CHST14-related conditions. Algorithms developed to predict the effect of missense changes on protein structure and function are either unavailable or do not agree on the potential impact of this missense change (SIFT: "Deleterious"; PolyPhen-2: "Benign"; Align-GVGD: "Class C35"). In summary, the available evidence is currently insufficient to determine the role of this variant in disease. Therefore, it has been classified as a Variant of Uncertain Significance.